The following is an entry in ClinVar:

NM_020975.6(RET):c.2459_2480delinsCGCAAAGTG (p.Arg820fs)

Gene: RET (ret proto-oncogene; plus strand). Cytogenetic location: 10q11.21.
Variant type: Indel.
Coding change: c.2459_2480delinsCGCAAAGTG on transcript NM_020975.6 (MANE Select); coding-DNA positions 2459 to 2480, GCAAAGTGGGGCCTGGCTACCT replaced by CGCAAAGTG.
Protein change: p.Arg820fs; shifts the reading frame from arginine 820.
Molecular consequence: frameshift variant.
Genome position (GRCh38, 1-based): chr10:43,119,597-43,119,618, GCAAAGTGGGGCCTGGCTACCT replaced by CGCAAAGTG. VCF-style: chr10-43119597-GCAAAGTGGGGCCTGGCTACCT-CGCAAAGTG. GRCh37 (hg19) VCF-style: chr10-43615045-GCAAAGTGGGGCCTGGCTACCT-CGCAAAGTG.
Other names: c.1697_1718delinsCGCAAAGTG, p.Arg566fs (NM_001355216.2); c.2459_2480delinsCGCAAAGTG, p.Arg820fs (NM_001406743.1, NM_001406744.1, NM_001406759.1 and 2 more transcripts); c.2330_2351delinsCGCAAAGTG, p.Arg777fs (NM_001406761.1, NM_001406762.1, NM_001406764.1); c.2324_2345delinsCGCAAAGTG, p.Arg775fs (NM_001406763.1, NM_001406765.1); c.2171_2192delinsCGCAAAGTG, p.Arg724fs (NM_001406766.1, NM_001406767.1, NM_001406770.1); c.2195_2216delinsCGCAAAGTG, p.Arg732fs (NM_001406768.1); c.2063_2084delinsCGCAAAGTG, p.Arg688fs (NM_001406769.1, NM_001406772.1); c.2021_2042delinsCGCAAAGTG, p.Arg674fs (NM_001406771.1, NM_001406773.1); and 11 more; short protein forms R337fs, R385fs, R521fs, R578fs, R688fs, R724fs, R481fs, R777fs.
Identifiers: ClinVar variation 4993944 (VCV004993944.1).

ClinVar aggregate classification (germline): Likely pathogenic (1 of 4 stars; one submission).

Conditions:
RET-related disorder. Also called: RET-related condition; RET-related disease; RET-related disorders.

Submission:

PreventionGenetics, part of Exact Sciences
Classification: Likely pathogenic for RET-related condition. Last evaluated: 2026-04-16. Review status: criteria provided, single submitter. Criteria: ACMG Guidelines, 2015. Collection method: clinical testing. Allele origin: germline.
Comment: The RET c.2459_2480delinsCGCAAAGTG variant is predicted to result in a frameshift and premature protein termination (p.Arg820Profs*45). To our knowledge, this variant has not been reported in the literature or in a large population database (gnomAD), indicating this variant is rare. Frameshift variants in RET are expected to be pathogenic. This variant is interpreted as likely pathogenic.